The following is an entry in ClinVar:

ClinVar aggregate classification (germline): Likely pathogenic (1 of 4 stars; one submission).

Conditions:
Inborn genetic diseases. Identifiers: MedGen C0950123, MeSH D030342.

Submission:

Ambry Genetics
Classification: Likely pathogenic for Inborn genetic diseases. Last evaluated: 2025-12-05. Review status: criteria provided, single submitter. Criteria: Ambry Variant Classification Scheme 2023. Collection method: clinical testing. Allele origin: germline.
Comment: The c.1807C>T (p.R603W) alteration is located in exon 11 (coding exon 9) of the CLCN4 gene. This alteration results from a C to T substitution at nucleotide position 1807, causing the arginine (R) at amino acid position 603 to be replaced by a tryptophan (W). Based on data from gnomAD, the T allele has an overall frequency of 0.001% (1/179922) total alleles studied. The highest observed frequency was 0.001% (1/79727) of European (non-Finnish) alleles. This variant was reported as hemizygous de novo in individual(s) with features consistent with CLCN4-related neurodevelopmental disorder (He, 2024). This amino acid position is highly conserved in available vertebrate species. In an assay testing CLCN4 function, this variant showed a functionally abnormal result (He, 2024). This alteration is predicted to be deleterious by in silico analysis. Based on the available evidence, this alteration is classified as likely pathogenic.

Literature cited by the submitters: PubMed 38758281.

NM_001830.4(CLCN4):c.1807C>T (p.Arg603Trp)

Gene: CLCN4 (chloride voltage-gated channel 4; plus strand). Cytogenetic location: Xp22.2.
Variant type: single nucleotide variant.
Coding change: c.1807C>T on transcript NM_001830.4 (MANE Select); coding-DNA position 1807, C replaced by T.
Protein change: p.Arg603Trp; replaces arginine 603 with tryptophan.
Molecular consequence: missense variant.
Genome position (GRCh38, 1-based): chrX:10,213,911, C>T. VCF-style: chrX-10213911-C-T. GRCh37 (hg19) VCF-style: chrX-10181951-C-T.
Other names: c.1525C>T, p.Arg509Trp (NM_001256944.2); short protein forms R509W, R603W.
Identifiers: ClinVar variation 4615903 (VCV004615903.1).